The following is an entry in ClinVar:

ClinVar aggregate classification (germline): Uncertain significance (1 of 4 stars; one submission).

Conditions:
Congenital hyperammonemia, type I. Also called: CPS I DEFICIENCY; Carbamoyl-phosphate synthase I deficiency; Carbamoyl phosphate synthetase 1 deficiency; Hyperammonemia due to carbamoyl phosphate synthetase 1 deficiency; CPS 1 deficiency; Carbamyl phosphate synthetase (CPS) deficiency. Identifiers: Orphanet 147, MedGen C4082171, MONDO:0009376, OMIM 237300.

Submission:

Labcorp Genetics (formerly Invitae), Labcorp
Classification: Uncertain significance for Congenital hyperammonemia, type I. Last evaluated: 2023-06-29. Review status: criteria provided, single submitter. Criteria: Invitae Variant Classification Sherloc (09022015). Collection method: clinical testing. Allele origin: germline.
Comment: This variant has not been reported in the literature in individuals affected with CPS1-related conditions. This sequence change replaces alanine, which is neutral and non-polar, with threonine, which is neutral and polar, at codon 334 of the CPS1 protein (p.Ala334Thr). This variant is not present in population databases (gnomAD no frequency). ClinVar contains an entry for this variant (Variation ID: 1364241). Advanced modeling of protein sequence and biophysical properties (such as structural, functional, and spatial information, amino acid conservation, physicochemical variation, residue mobility, and thermodynamic stability) performed at Invitae indicates that this missense variant is not expected to disrupt CPS1 protein function. In summary, the available evidence is currently insufficient to determine the role of this variant in disease. Therefore, it has been classified as a Variant of Uncertain Significance.

NM_001875.5(CPS1):c.1000G>A (p.Ala334Thr)

Gene: CPS1 (carbamoyl-phosphate synthase 1; plus strand). Cytogenetic location: 2q34.
Variant type: single nucleotide variant.
Coding change: c.1000G>A on transcript NM_001875.5 (MANE Select); coding-DNA position 1000, G replaced by A.
Protein change: p.Ala334Thr; replaces alanine 334 with threonine.
Molecular consequence: missense variant. On other transcripts: non-coding transcript variant (1).
Genome position (GRCh38, 1-based): chr2:210,591,883, G>A. VCF-style: chr2-210591883-G-A. GRCh37 (hg19) VCF-style: chr2-211456607-G-A.
Other names: c.1000G>A, p.Ala334Thr (NM_001122633.3, NM_001369257.1); c.1033G>A, p.Ala345Thr (NM_001369256.1); short protein forms A345T, A334T.
Identifiers: ClinVar variation 1364241 (VCV001364241.8), dbSNP rs2106111068, ClinGen allele CA350430505.